The following is an entry in ClinVar:

NM_000814.6(GABRB3):c.110T>C (p.Val37Ala)

Gene: GABRB3 (gamma-aminobutyric acid type A receptor subunit beta3; minus strand). Cytogenetic location: 15q12.
Variant type: single nucleotide variant.
Coding change: c.110T>C on transcript NM_000814.6 (MANE Select); coding-DNA position 110, T replaced by C.
Protein change: p.Val37Ala; replaces valine 37 with alanine.
Molecular consequence: missense variant. On other transcripts: 5 prime UTR variant (1).
Genome position (GRCh38, 1-based): chr15:26,772,743, A>G on the plus strand (T>C on the coding strand, the complement: GABRB3 is on the minus strand). VCF-style: chr15-26772743-A-G. GRCh37 (hg19) VCF-style: chr15-27017890-A-G.
Other names: c.-242T>C (NM_001278631.2); c.110T>C, p.Val37Ala (NM_021912.5); short protein forms V37A.
Identifiers: ClinVar variation 4999257 (VCV004999257.1).

ClinVar aggregate classification (germline): Uncertain significance (1 of 4 stars; one submission).

Conditions:
GABRB3-related disorder. Also called: GABRB3-related condition.

gnomAD v4.1: 3 of 1,572,474 alleles (0.00019%); highest among the groups gnomAD compares: Non-Finnish European, 0.00026%; no homozygotes.

Submission:

PreventionGenetics, part of Exact Sciences
Classification: Uncertain significance for GABRB3-related condition. Last evaluated: 2025-05-24. Review status: criteria provided, single submitter. Criteria: ACMG Guidelines, 2015. Collection method: clinical testing. Allele origin: germline.
Comment: The GABRB3 c.110T>C variant is predicted to result in the amino acid substitution p.Val37Ala. To our knowledge, this variant has not been reported in the literature or in a large population database (gnomAD), indicating this variant is rare. At this time, the clinical significance of this variant is uncertain due to the absence of conclusive functional and genetic evidence.